The following is an entry in ClinVar:

ClinVar aggregate classification (germline): Uncertain significance (1 of 4 stars; one submission).

Conditions:
Fanconi anemia (FA). Also called: Fanconi's anemia. Identifiers: Orphanet 84, MedGen C0015625, MeSH D005199, MONDO:0019391.

gnomAD v4.1: 1 of 1,553,366 alleles (0.000064%); highest among the groups gnomAD compares: Non-Finnish European, 0.000087%; no homozygotes.

Submission:

Labcorp Genetics (formerly Invitae), Labcorp
Classification: Uncertain significance for Fanconi anemia. Last evaluated: 2022-07-22. Review status: criteria provided, single submitter. Criteria: Invitae Variant Classification Sherloc (09022015). Collection method: clinical testing. Allele origin: germline.
Comment: This variant has not been reported in the literature in individuals affected with FANCA-related conditions. In summary, the available evidence is currently insufficient to determine the role of this variant in disease. Therefore, it has been classified as a Variant of Uncertain Significance. Algorithms developed to predict the effect of sequence changes on RNA splicing suggest that this variant may disrupt the consensus splice site. This variant is not present in population databases (gnomAD no frequency). This sequence change falls in intron 33 of the FANCA gene. It does not directly change the encoded amino acid sequence of the FANCA protein.

NM_000135.4(FANCA):c.3349-10T>C

Gene: FANCA (FA complementation group A; minus strand). Cytogenetic location: 16q24.3.
Variant type: single nucleotide variant.
Coding change: c.3349-10T>C on transcript NM_000135.4 (MANE Select); 10 bases into the intron before coding-DNA position 3349, T replaced by C.
Molecular consequence: intron variant.
Genome position (GRCh38, 1-based): chr16:89,746,900, A>G on the plus strand (T>C on the coding strand, the complement: FANCA is on the minus strand). VCF-style: chr16-89746900-A-G. GRCh37 (hg19) VCF-style: chr16-89813308-A-G.
Other names: c.3349-10T>C (NM_001286167.3).
Identifiers: ClinVar variation 2010019 (VCV002010019.4), dbSNP rs2544121028, ClinGen allele CA2580092400.